The following is an entry in ClinVar:

NM_004793.4(LONP1):c.288C>T (p.Gly96=)

Gene: LONP1 (lon peptidase 1, mitochondrial; minus strand). Cytogenetic location: 19p13.3.
Variant type: single nucleotide variant.
Coding change: c.288C>T on transcript NM_004793.4 (MANE Select); coding-DNA position 288, C replaced by T.
Protein change: p.Gly96=; no amino-acid change (glycine 96 retained).
Molecular consequence: synonymous variant. On other transcripts: intron variant (2).
Genome position (GRCh38, 1-based): chr19:5,719,845, G>A on the plus strand (C>T on the coding strand, the complement: LONP1 is on the minus strand). VCF-style: chr19-5719845-G-A. GRCh37 (hg19) VCF-style: chr19-5719856-G-A.
Other names: c.-160+374C>T (NM_001276480.1); c.125-29C>T (NM_001276479.2); c.288C>T (NM_004793.3).
Identifiers: ClinVar variation 1382235 (VCV001382235.12), dbSNP rs62640375, ClinGen allele CA9115193.

ClinVar aggregate classification (germline): Likely benign. Review status: criteria provided, multiple submitters, no conflicts (2 of 4 stars). 3 submissions from 3 submitters: Likely benign (2). 1 of the submissions does not count toward it. Last evaluated 2026-02-01.

Conditions:
LONP1-related disorder. Also called: LONP1-related condition; LONP1-related disorders.

Allele frequency attached by ClinVar (database versions not stated): ExAC 0.00001; gnomAD exomes 0.00004 and 0.00012; gnomAD 0.00005 and 0.00006; TOPMed 0.00005.
gnomAD v4.1: 180 of 1,606,726 alleles (0.011%); highest among the groups gnomAD compares: Non-Finnish European, 0.014%; no homozygotes.

Submissions (3):

CeGaT Center for Human Genetics Tuebingen
Classification: Likely benign. Last evaluated: 2026-02-01. Review status: criteria provided, single submitter. Criteria: CeGaT Center For Human Genetics Tuebingen Variant Classification Criteria Version 2. Collection method: clinical testing. Allele origin: germline. Affected: yes. Observed: 1 variant allele.
Comment: LONP1: BP4, BP7

Labcorp Genetics (formerly Invitae), Labcorp
Classification: Likely benign. Last evaluated: 2026-01-26. Review status: criteria provided, single submitter. Criteria: Invitae Variant Classification Sherloc (09022015). Collection method: clinical testing. Allele origin: germline.

PreventionGenetics, part of Exact Sciences
Classification: Likely benign for LONP1-related condition. Last evaluated: 2019-07-30. Review status: no assertion criteria provided. Collection method: clinical testing. Allele origin: germline. Not counted in ClinVar's aggregate classification.
Comment: This variant is classified as likely benign based on ACMG/AMP sequence variant interpretation guidelines (Richards et al. 2015 PMID: 25741868, with internal and published modifications).